The following is an entry in ClinVar:

NM_032382.5(COG8):c.507T>G (p.Ser169Arg)

Gene: COG8 (component of oligomeric golgi complex 8; minus strand). Cytogenetic location: 16q22.1.
Variant type: single nucleotide variant.
Coding change: c.507T>G on transcript NM_032382.5 (MANE Select); coding-DNA position 507, T replaced by G.
Protein change: p.Ser169Arg; replaces serine 169 with arginine.
Molecular consequence: missense variant.
Genome position (GRCh38, 1-based): chr16:69,336,583, A>C on the plus strand (T>G on the coding strand, the complement: COG8 is on the minus strand). VCF-style: chr16-69336583-A-C. GRCh37 (hg19) VCF-style: chr16-69370486-A-C.
Other names: c.507T>G, p.Ser169Arg (NM_001374871.1, NM_001379261.1, NM_001379262.1 and 4 more transcripts); short protein forms S169R.
Identifiers: ClinVar variation 2111857 (VCV002111857.4), dbSNP rs2544582202, ClinGen allele CA396488508.

ClinVar aggregate classification (germline): Uncertain significance (1 of 4 stars; one submission).

Conditions:
COG8-congenital disorder of glycosylation. Also called: COG8-CDG; CDG IIh. Identifiers: Orphanet 95428, MedGen C1970021, MONDO:0012635, OMIM 611182.

Submission:

Labcorp Genetics (formerly Invitae), Labcorp
Classification: Uncertain significance for COG8-congenital disorder of glycosylation. Last evaluated: 2022-03-14. Review status: criteria provided, single submitter. Criteria: Invitae Variant Classification Sherloc (09022015). Collection method: clinical testing. Allele origin: germline.
Comment: In summary, the available evidence is currently insufficient to determine the role of this variant in disease. Therefore, it has been classified as a Variant of Uncertain Significance. Algorithms developed to predict the effect of sequence changes on RNA splicing suggest that this variant may create or strengthen a splice site. Algorithms developed to predict the effect of missense changes on protein structure and function (SIFT, PolyPhen-2, Align-GVGD) all suggest that this variant is likely to be tolerated. This variant has not been reported in the literature in individuals affected with COG8-related conditions. This variant is not present in population databases (gnomAD no frequency). This sequence change replaces serine, which is neutral and polar, with arginine, which is basic and polar, at codon 169 of the COG8 protein (p.Ser169Arg).